The following is an entry in ClinVar:

ClinVar aggregate classification (germline): Uncertain significance (1 of 4 stars; one submission).

Conditions:
Neurodevelopmental-craniofacial syndrome with variable renal and cardiac abnormalities. Identifiers: MedGen C5561984, MONDO:0859190, OMIM 619522.

Submission:

Juno Genomics, Hangzhou Juno Genomics, Inc
Classification: Uncertain significance for Neurodevelopmental-craniofacial syndrome with variable renal and cardiac abnormalities. Review status: criteria provided, single submitter. Criteria: ACMG Guidelines, 2015. Collection method: clinical testing. Allele origin: germline.
Comment: Absent from controls (or at extremely low frequency if recessive) in Genome Aggregation Database.;Multiple lines of computational evidence support a deleterious effect on the gene or gene product.

NM_197968.4(ZMYM2):c.1851+697A>G

Gene: ZMYM2 (zinc finger MYM-type containing 2; plus strand). Cytogenetic location: 13q12.11.
Variant type: single nucleotide variant.
Coding change: c.1851+697A>G on transcript NM_197968.4 (MANE Select); 697 bases into the intron after coding-DNA position 1851, A replaced by G.
Molecular consequence: intron variant.
Genome position (GRCh38, 1-based): chr13:20,028,015, A>G. VCF-style: chr13-20028015-A-G. GRCh37 (hg19) VCF-style: chr13-20602155-A-G.
Other names: c.1590+697A>G (NM_001353163.2); c.1851+697A>G (NM_001353157.2, NM_001353164.2, NM_001353159.2 and 5 more transcripts); c.1656+697A>G (NM_001353161.3).
Identifiers: ClinVar variation 5019252 (VCV005019252.2).
Genomic context (GRCh38, chr13:20,028,015, plus strand): 5'-AGGTTTACCTGTTGTGTGTGAAAATTTCAGGGTATTACCCAAAGGTTCAAACCCGTGCAT[A>G]AAGCCATGCTTCATGAGTTAATTCATCCAACAATTCTGCTTTATTCCAGGTACTGTGCTC-3'